The following is an entry in ClinVar:

NM_014629.4(ARHGEF10):c.2894C>T (p.Thr965Met)

Gene: ARHGEF10 (Rho guanine nucleotide exchange factor 10; plus strand). Cytogenetic location: 8p23.3.
Variant type: single nucleotide variant.
Coding change: c.2894C>T on transcript NM_014629.4 (MANE Select); coding-DNA position 2894, C replaced by T.
Protein change: p.Thr965Met; replaces threonine 965 with methionine.
Molecular consequence: missense variant.
Genome position (GRCh38, 1-based): chr8:1,928,623, C>T. VCF-style: chr8-1928623-C-T. GRCh37 (hg19) VCF-style: chr8-1876789-C-T.
Other names: p.Thr965Met; c.2780C>T, p.Thr927Met (NM_001308152.2); c.2894C>T, p.Thr965Met (NM_001308153.3); short protein forms T927M, T965M, T989M.
Identifiers: ClinVar variation 1693970 (VCV001693970.8), dbSNP rs375235314, ClinGen allele CA4601106.

ClinVar aggregate classification (germline): Uncertain significance. Review status: criteria provided, multiple submitters, no conflicts (2 of 4 stars). 3 submissions from 3 submitters: Uncertain significance (3). Last evaluated 2025-01-22.

Allele frequency attached by ClinVar (database versions not stated): gnomAD exomes 0.00006; ExAC 0.00007; ESP Exome Variant Server 0.00008; gnomAD 0.00008; TOPMed 0.00015.
gnomAD v4.1: 66 of 1,614,044 alleles (0.0041%); highest among the groups gnomAD compares: African/African-American, 0.025%; no homozygotes.

Submissions (3):

Ambry Genetics
Classification: Uncertain significance. Last evaluated: 2025-01-22. Review status: criteria provided, single submitter. Criteria: Ambry Variant Classification Scheme 2023. Collection method: clinical testing. Allele origin: germline.

Labcorp Genetics (formerly Invitae), Labcorp
Classification: Uncertain significance. Last evaluated: 2024-10-20. Review status: criteria provided, single submitter. Criteria: Invitae Variant Classification Sherloc (09022015). Collection method: clinical testing. Allele origin: germline.
Comment: This sequence change replaces threonine, which is neutral and polar, with methionine, which is neutral and non-polar, at codon 965 of the ARHGEF10 protein (p.Thr965Met). This variant is present in population databases (rs375235314, gnomAD 0.03%). This variant has not been reported in the literature in individuals affected with ARHGEF10-related conditions. ClinVar contains an entry for this variant (Variation ID: 1693970). Invitae Evidence Modeling of protein sequence and biophysical properties (such as structural, functional, and spatial information, amino acid conservation, physicochemical variation, residue mobility, and thermodynamic stability) indicates that this missense variant is not expected to disrupt ARHGEF10 protein function with a negative predictive value of 80%. In summary, the available evidence is currently insufficient to determine the role of this variant in disease. Therefore, it has been classified as a Variant of Uncertain Significance.

Mayo Clinic Laboratories, Mayo Clinic
Classification: Uncertain significance. Last evaluated: 2021-04-27. Review status: criteria provided, single submitter. Criteria: ACMG Guidelines, 2015. Collection method: clinical testing. Allele origin: germline.